The following is an entry in ClinVar:

ClinVar aggregate classification (germline): Conflicting classifications of pathogenicity. Review status: criteria provided, conflicting classifications (1 of 4 stars). 4 submissions from 4 submitters: Uncertain significance (1); Likely benign (3). Last evaluated 2026-09-21.

Conditions:
IMPG2-related disorder. Also called: IMPG2-related condition.
Retinitis pigmentosa (RP). Identifiers: Orphanet 791, MedGen C0035334, MeSH D012174, MONDO:0019200, OMIM 268000. Inheritance: Autosomal dominant, autosomal recessive and X linked inheritance.

Allele frequency attached by ClinVar (database versions not stated): gnomAD exomes 0.00004 and 0.00010; gnomAD 0.00006 and 0.00007; ExAC 0.00007; TOPMed 0.00007.
gnomAD v4.1: 75 of 1,613,218 alleles (0.0046%); highest among the groups gnomAD compares: Middle Eastern, 0.049%; no homozygotes.

Submissions (4):

PreventionGenetics, part of Exact Sciences
Classification: Likely benign for IMPG2-related condition. Last evaluated: 2026-09-21. Review status: criteria provided, single submitter. Criteria: ACMG Guidelines, 2015. Collection method: clinical testing. Allele origin: germline.
Comment: This variant is classified as likely benign based on ACMG/AMP sequence variant interpretation guidelines (Richards et al. 2015 PMID: 25741868, with internal and published modifications).

Labcorp Genetics (formerly Invitae), Labcorp
Classification: Likely benign. Last evaluated: 2026-01-12. Review status: criteria provided, single submitter. Criteria: Invitae Variant Classification Sherloc (09022015). Collection method: clinical testing. Allele origin: germline.

ARUP Laboratories, Molecular Genetics and Genomics, ARUP Laboratories
Classification: Likely benign. Last evaluated: 2020-01-07. Review status: criteria provided, single submitter. Criteria: ARUP Molecular Germline Variant Investigation Process. Collection method: clinical testing. Allele origin: germline.

Illumina Laboratory Services, Illumina
Classification: Uncertain significance for Retinitis pigmentosa. Last evaluated: 2018-01-13. Review status: criteria provided, single submitter. Criteria: ICSL Variant Classification Criteria 13 December 2019. Collection method: clinical testing. Allele origin: germline.

NM_016247.4(IMPG2):c.972C>T (p.Asp324=)

Gene: IMPG2 (interphotoreceptor matrix proteoglycan 2; minus strand). Cytogenetic location: 3q12.3.
Variant type: single nucleotide variant.
Coding change: c.972C>T on transcript NM_016247.4 (MANE Select); coding-DNA position 972, C replaced by T.
Protein change: p.Asp324=; no amino-acid change (aspartic acid 324 retained).
Molecular consequence: synonymous variant.
Genome position (GRCh38, 1-based): chr3:101,257,710, G>A on the plus strand (C>T on the coding strand, the complement: IMPG2 is on the minus strand). VCF-style: chr3-101257710-G-A. GRCh37 (hg19) VCF-style: chr3-100976554-G-A.
Identifiers: ClinVar variation 901981 (VCV000901981.21), dbSNP rs762052051, ClinGen allele CA2519299.